The following is an entry in ClinVar:

NC_000023.10:g.(?_31496203)_(31986651_?)dup

Gene: DMD (dystrophin; minus strand). Cytogenetic location: Xp21.2-21.1.
Variant type: Duplication.
Identifiers: ClinVar variation 3243098 (VCV003243098.1).

ClinVar aggregate classification (germline): Uncertain significance (1 of 4 stars; one submission).

Conditions:
Duchenne muscular dystrophy (DMD). Also called: MUSCULAR DYSTROPHY, PSEUDOHYPERTROPHIC PROGRESSIVE, DUCHENNE TYPE; Duchenne Muscular Dystrophy (DMD). Identifiers: Orphanet 98896, MedGen C0013264, MONDO:0010679, OMIM 310200.

Submission:

Labcorp Genetics (formerly Invitae), Labcorp
Classification: Uncertain significance for Duchenne muscular dystrophy. Last evaluated: 2023-04-09. Review status: criteria provided, single submitter. Criteria: Invitae Variant Classification Sherloc (09022015). Collection method: clinical testing. Allele origin: unknown.
Comment: Experimental studies and prediction algorithms are not available or were not evaluated, and the functional significance of this variant is currently unknown. In summary, the available evidence is currently insufficient to determine the role of this variant in disease. Therefore, it has been classified as a Variant of Uncertain Significance. A similar copy number variant has been observed in individual(s) with clinical features of Duchenne muscular dystrophy (PMID: 19937601). This variant results in a copy number gain of the genomic region encompassing exon(s) 45-59 of the DMD gene. While the exact position of this variant cannot be determined from the data, sub-genic copy number gains are generally in tandem (PMID: 25640679). This variant is predicted to be in-frame, and likely preserves the integrity of the reading frame.

Literature cited by the submitters: PubMed 19937601; PubMed 25640679.